The following is an entry in ClinVar:

NM_015295.3(SMCHD1):c.3200A>G (p.His1067Arg)

Gene: SMCHD1 (structural maintenance of chromosomes flexible hinge domain containing 1; plus strand). Cytogenetic location: 18p11.32.
Variant type: single nucleotide variant.
Coding change: c.3200A>G on transcript NM_015295.3 (MANE Select); coding-DNA position 3200, A replaced by G.
Protein change: p.His1067Arg; replaces histidine 1067 with arginine.
Molecular consequence: missense variant.
Genome position (GRCh38, 1-based): chr18:2,732,416, A>G. VCF-style: chr18-2732416-A-G. GRCh37 (hg19) VCF-style: chr18-2732414-A-G.
Other names: short protein forms H1067R.
Identifiers: ClinVar variation 1957707 (VCV001957707.5), dbSNP rs1475369340, ClinGen allele CA401685810.
Genomic context (GRCh38, chr18:2,732,416, plus strand): 5'-AAAAGGCAATTCAGATCAAACATCAGGATGAGGTTAATTGGATAGCGGGTGATATTATGC[A>G]TAATCTTATTTTTCAAATGTATGATGAAGGAGAAAGAGAAATCAATATAACATCAGCTTT-3'
Protein context (NP_056110.2, residues 1057-1077): EVNWIAGDIM[His1067Arg]NLIFQMYDEG

ClinVar aggregate classification (germline): Uncertain significance (1 of 4 stars; one submission).

Conditions:
Facioscapulohumeral muscular dystrophy 2 (FSHD2). Also called: MUSCULAR DYSTROPHY, FACIOSCAPULOHUMERAL, TYPE 1B; FACIOSCAPULOHUMERAL MUSCULAR DYSTROPHY 2, DIGENIC; FSHD2, DIGENIC. Identifiers: Orphanet 269, MedGen C1834671, MONDO:0008031, OMIM 158901.

gnomAD v4.1: 2 of 1,613,274 alleles (0.00012%); highest among the groups gnomAD compares: Admixed American, 0.0017%; no homozygotes.

Submission:

Labcorp Genetics (formerly Invitae), Labcorp
Classification: Uncertain significance for Facioscapulohumeral muscular dystrophy 2. Last evaluated: 2022-03-12. Review status: criteria provided, single submitter. Criteria: Invitae Variant Classification Sherloc (09022015). Collection method: clinical testing. Allele origin: germline.
Comment: In summary, the available evidence is currently insufficient to determine the role of this variant in disease. Therefore, it has been classified as a Variant of Uncertain Significance. Algorithms developed to predict the effect of missense changes on protein structure and function output the following: SIFT: "Tolerated"; PolyPhen-2: "Benign"; Align-GVGD: "Class C0". The arginine amino acid residue is found in multiple mammalian species, which suggests that this missense change does not adversely affect protein function. This variant has not been reported in the literature in individuals affected with SMCHD1-related conditions. This variant is present in population databases (no rsID available, gnomAD 0.003%). This sequence change replaces histidine, which is basic and polar, with arginine, which is basic and polar, at codon 1067 of the SMCHD1 protein (p.His1067Arg).